The following is an entry in ClinVar:

ClinVar aggregate classification (germline): Uncertain significance (1 of 4 stars; one submission).

Conditions:
Cardiovascular phenotype. Identifiers: MedGen CN230736.

Submission:

Ambry Genetics
Classification: Uncertain significance for Cardiovascular phenotype. Last evaluated: 2023-10-15. Review status: criteria provided, single submitter. Criteria: Ambry Variant Classification Scheme 2023. Collection method: clinical testing. Allele origin: germline.
Comment: The p.K171T variant (also known as c.512A>C), located in coding exon 5 of the MYL3 gene, results from an A to C substitution at nucleotide position 512. The lysine at codon 171 is replaced by threonine, an amino acid with similar properties. This amino acid position is conserved. In addition, this alteration is predicted to be tolerated by in silico analysis. Since supporting evidence is limited at this time, the clinical significance of this alteration remains unclear.

NM_000258.3(MYL3):c.512A>C (p.Lys171Thr)

Gene: MYL3 (myosin light chain 3; minus strand). Cytogenetic location: 3p21.31.
Variant type: single nucleotide variant.
Coding change: c.512A>C on transcript NM_000258.3 (MANE Select); coding-DNA position 512, A replaced by C.
Protein change: p.Lys171Thr; replaces lysine 171 with threonine.
Molecular consequence: missense variant.
Genome position (GRCh38, 1-based): chr3:46,858,431, T>G on the plus strand (A>C on the coding strand, the complement: MYL3 is on the minus strand). VCF-style: chr3-46858431-T-G. GRCh37 (hg19) VCF-style: chr3-46899921-T-G.
Other names: c.512A>C, p.Lys171Thr (NM_001406937.1, NM_001406938.1, NM_001406939.1); c.338A>C, p.Lys113Thr (NM_001406940.1); c.323A>C, p.Lys108Thr (NM_001406941.1); short protein forms K108T, K113T, K171T.
Identifiers: ClinVar variation 3230924 (VCV003230924.1), dbSNP rs1701955809, ClinGen allele CA352495501.